The following is an entry in ClinVar:

NM_001130144.3(LTBP3):c.3551C>T (p.Ser1184Phe)

Gene: LTBP3 (latent transforming growth factor beta binding protein 3; minus strand). Cytogenetic location: 11q13.1.
Variant type: single nucleotide variant.
Coding change: c.3551C>T on transcript NM_001130144.3 (MANE Select); coding-DNA position 3551, C replaced by T.
Protein change: p.Ser1184Phe; replaces serine 1184 with phenylalanine.
Molecular consequence: missense variant.
Genome position (GRCh38, 1-based): chr11:65,539,625, G>A on the plus strand (C>T on the coding strand, the complement: LTBP3 is on the minus strand). VCF-style: chr11-65539625-G-A. GRCh37 (hg19) VCF-style: chr11-65307096-G-A.
Other names: c.3059C>T, p.Ser1020Phe (NM_001164266.1); c.3410C>T, p.Ser1137Phe (NM_021070.4); short protein forms S1137F, S1020F, S1184F.
Identifiers: ClinVar variation 2104553 (VCV002104553.4), dbSNP rs2496114900, ClinGen allele CA381266628.

ClinVar aggregate classification (germline): Uncertain significance (1 of 4 stars; one submission).

Conditions:
Brachyolmia-amelogenesis imperfecta syndrome. Also called: PLATYSPONDYLY WITH AMELOGENESIS IMPERFECTA; Tooth agenesis, selective, 6; Dental anomalies and short stature. Identifiers: Orphanet 2899, MedGen C1832594, MONDO:0011018, OMIM 601216. Disease mechanism: loss of function.

Allele frequency attached by ClinVar (database versions not stated): gnomAD exomes below 0.00001.
gnomAD v4.1: 2 of 1,610,128 alleles (0.00012%); highest among the groups gnomAD compares: Non-Finnish European, 0.000085%; no homozygotes.

Submission:

Labcorp Genetics (formerly Invitae), Labcorp
Classification: Uncertain significance for Brachyolmia-amelogenesis imperfecta syndrome. Last evaluated: 2022-02-28. Review status: criteria provided, single submitter. Criteria: Invitae Variant Classification Sherloc (09022015). Collection method: clinical testing. Allele origin: germline.
Comment: In summary, the available evidence is currently insufficient to determine the role of this variant in disease. Therefore, it has been classified as a Variant of Uncertain Significance. Algorithms developed to predict the effect of missense changes on protein structure and function (SIFT, PolyPhen-2, Align-GVGD) all suggest that this variant is likely to be tolerated. This variant has not been reported in the literature in individuals affected with LTBP3-related conditions. This variant is not present in population databases (gnomAD no frequency). This sequence change replaces serine, which is neutral and polar, with phenylalanine, which is neutral and non-polar, at codon 1184 of the LTBP3 protein (p.Ser1184Phe).